The following is an entry in ClinVar:

NM_021911.3(GABRB2):c.-153+13T>G

Gene: GABRB2 (gamma-aminobutyric acid type A receptor subunit beta2; minus strand). Cytogenetic location: 5q34.
Variant type: single nucleotide variant.
Coding change: c.-153+13T>G on transcript NM_021911.3; 13 bases into the intron after 153 bases upstream of the start codon, T replaced by G.
Molecular consequence: intron variant.
Genome position (GRCh38, 1-based): chr5:161,548,046, A>C on the plus strand (T>G on the coding strand, the complement: GABRB2 is on the minus strand). VCF-style: chr5-161548046-A-C. GRCh37 (hg19) VCF-style: chr5-160975052-A-C.
Other names: c.-153+13T>G (NM_000813.3).
Identifiers: ClinVar variation 391910 (VCV000391910.3), dbSNP rs1054755645, ClinGen allele CA16605307.

ClinVar aggregate classification (germline): Likely benign (1 of 4 stars; one submission).

Allele frequency attached by ClinVar (database versions not stated): 1000 Genomes Project 30x 0.00016; gnomAD 0.00002 and 0.00003; TOPMed 0.00014.

Submission:

GeneDx
Classification: Likely benign. Last evaluated: 2016-12-19. Review status: criteria provided, single submitter. Criteria: GeneDx Variant Classification (06012015). Collection method: clinical testing. Allele origin: germline. Affected: yes.
Comment: This variant is considered likely benign or benign based on one or more of the following criteria: it is a conservative change, it occurs at a poorly conserved position in the protein, it is predicted to be benign by multiple in silico algorithms, and/or has population frequency not consistent with disease.